The following is an entry in ClinVar:

NM_002485.5(NBN):c.2020G>T (p.Gly674Cys)

Gene: NBN (nibrin; minus strand). Cytogenetic location: 8q21.3.
Variant type: single nucleotide variant.
Coding change: c.2020G>T on transcript NM_002485.5 (MANE Select); coding-DNA position 2020, G replaced by T.
Protein change: p.Gly674Cys; replaces glycine 674 with cysteine.
Molecular consequence: missense variant.
Genome position (GRCh38, 1-based): chr8:89,946,190, C>A on the plus strand (G>T on the coding strand, the complement: NBN is on the minus strand). VCF-style: chr8-89946190-C-A. GRCh37 (hg19) VCF-style: chr8-90958418-C-A.
Other names: c.1774G>T, p.Gly592Cys (NM_001024688.3); short protein forms G674C, G592C.
Identifiers: ClinVar variation 629989 (VCV000629989.6), dbSNP rs1563513091, ClinGen allele CA371676428.
Genomic context (GRCh38, chr8:89,946,190, plus strand): 5'-AAATACCTACCTTTTTGAATTTCTTGAAATTTTTTAGTTGACCATAATCATCATTTATGC[C>A]AGATGGATTTCTGGAAGTAGAGTTTTTAATCACCAGTGATCTAAATTCAGTCAATAACAG-3'
Protein context (NP_002476.2, residues 664-684): IKNSTSRNPS[Gly674Cys]INDDYGQLKN

ClinVar aggregate classification (germline): Uncertain significance (1 of 4 stars; one submission).

Conditions:
Hereditary cancer-predisposing syndrome. Also called: Neoplastic Syndromes, Hereditary; Tumor predisposition; Hereditary neoplastic syndrome; Hereditary Cancer Syndrome. Identifiers: Orphanet 140162, MedGen C0027672, MeSH D009386, MONDO:0015356.

Submission:

Ambry Genetics
Classification: Uncertain significance for Hereditary cancer-predisposing syndrome. Last evaluated: 2024-02-25. Review status: criteria provided, single submitter. Criteria: Ambry Variant Classification Scheme 2023. Collection method: clinical testing. Allele origin: germline.
Comment: The p.G674C variant (also known as c.2020G>T), located in coding exon 13 of the NBN gene, results from a G to T substitution at nucleotide position 2020. The glycine at codon 674 is replaced by cysteine, an amino acid with highly dissimilar properties. This amino acid position is poorly conserved in available vertebrate species. In addition, this alteration is predicted to be tolerated by in silico analysis. Since supporting evidence is limited at this time, the clinical significance of this alteration remains unclear.